The following is an entry in ClinVar:

NM_001353788.2(APBA2):c.952-3825C>T

Gene: APBA2 (amyloid beta precursor protein binding family A member 2; plus strand). Cytogenetic location: 15q13.1.
Variant type: single nucleotide variant.
Coding change: c.952-3825C>T on transcript NM_001353788.2 (MANE Select); 3825 bases into the intron before coding-DNA position 952, C replaced by T.
Molecular consequence: intron variant. On other transcripts: synonymous variant (2).
Genome position (GRCh38, 1-based): chr15:29,071,096, C>T. VCF-style: chr15-29071096-C-T. GRCh37 (hg19) VCF-style: chr15-29363299-C-T.
Other names: c.60C>T, p.Ser20= (NM_001353796.2, NM_001353797.2); c.952-3825C>T (NM_001379685.1, NM_001353790.2, NM_001353792.2 and 7 more transcripts).
Identifiers: ClinVar variation 3055982 (VCV003055982.2), dbSNP rs547532804, ClinGen allele CA7445225.

ClinVar aggregate classification (germline): Likely benign (0 of 4 stars; one submission).

Conditions:
APBA2-related disorder. Also called: APBA2-related condition.

Allele frequency attached by ClinVar (database versions not stated): TOPMed 0.00004; gnomAD 0.00014; 1000 Genomes Project 0.00020; gnomAD exomes 0.00058; 1000 Genomes Project 30x 0.00094; ExAC 0.00106.
gnomAD v4.1: 192 of 456,376 alleles (0.042%); highest among the groups gnomAD compares: South Asian, 0.28%; 2 homozygotes.

Submission:

PreventionGenetics, part of Exact Sciences
Classification: Likely benign for APBA2-related condition. Last evaluated: 2019-02-20. Review status: no assertion criteria provided. Collection method: clinical testing. Allele origin: germline.
Comment: This variant is classified as likely benign based on ACMG/AMP sequence variant interpretation guidelines (Richards et al. 2015 PMID: 25741868, with internal and published modifications).